The following is an entry in ClinVar:

ClinVar aggregate classification (germline): Uncertain significance (1 of 4 stars; one submission).

Submission:

Quest Diagnostics Nichols Institute San Juan Capistrano
Classification: Uncertain significance. Last evaluated: 2024-03-20. Review status: criteria provided, single submitter. Criteria: Quest Diagnostics criteria. Collection method: clinical testing. Allele origin: unknown.
Comment: The HBA2 c.*70C>A variant has not been reported in individuals with HBA2-related conditions in the published literature. It also has not been reported in large, multi-ethnic general populations (Genome Aggregation Database). Analysis of this variant using software algorithms for the prediction of the effect of nucleotide changes on HBA2 mRNA splicing yielded predictions that this variant may result in the gain of a cryptic splice site without affecting the natural splice sites. Based on the available information, we are unable to determine the clinical significance of this variant.

NM_000517.6(HBA2):c.*70C>A

Genes: HBA2 (hemoglobin subunit alpha 2; plus strand), LOC106804612 (hemoglobin subunit alpha 2 recombination region; plus strand). Cytogenetic location: 16p13.3.
Variant type: single nucleotide variant.
Coding change: c.*70C>A on transcript NM_000517.6 (MANE Select); 70 bases downstream of the stop codon, C replaced by A.
Molecular consequence: 3 prime UTR variant.
Genome position (GRCh38, 1-based): chr16:173,670, C>A. VCF-style: chr16-173670-C-A. GRCh37 (hg19) VCF-style: chr16-223669-C-A.
Identifiers: ClinVar variation 3572114 (VCV003572114.1).